The following is an entry in ClinVar:

ClinVar aggregate classification (germline): Uncertain significance (1 of 4 stars; one submission).

Conditions:
Primary dilated cardiomyopathy (DCM). Also called: Dilated Cardiomyopathy. Identifiers: Orphanet 217604, MedGen C0007193, MeSH D002311, MONDO:0005021, HP:0001644. Inheritance: Various modes of inheritance.

Submission:

All of Us Research Program, National Institutes of Health
Classification: Uncertain significance for Primary dilated cardiomyopathy. Last evaluated: 2024-02-22. Review status: criteria provided, single submitter. Criteria: ACMG Guidelines, 2015. Collection method: clinical testing. Allele origin: germline. Inheritance: Autosomal dominant inheritance. Observed: 1 variant allele, 1 heterozygote.
Comment: This missense variant replaces valine with leucine at codon 445 of the LMNA protein. Computational prediction is inconclusive regarding the impact of this variant on protein structure and function (internally defined REVEL score threshold 0.5 < inconclusive < 0.7, PMID: 27666373). To our knowledge, functional studies have not been reported for this variant. This variant has not been reported in individuals affected with LMNA-related disorders in the literature. This variant has not been identified in the general population by the Genome Aggregation Database (gnomAD). The available evidence is insufficient to determine the role of this variant in disease conclusively. Therefore, this variant is classified as a Variant of Uncertain Significance.

This study involves interpretation of variants in research participants for the purpose of population health screening. Participant phenotype was not available at the time of variant classification. Additional details can be found in publication PMID: 35346344, PMCID: PMC8962531

NM_170707.4(LMNA):c.1333G>T (p.Val445Leu)

Gene: LMNA (lamin A/C; plus strand). Cytogenetic location: 1q22.
Variant type: single nucleotide variant.
Coding change: c.1333G>T on transcript NM_170707.4 (MANE Select); coding-DNA position 1333, G replaced by T.
Protein change: p.Val445Leu; replaces valine 445 with leucine.
Molecular consequence: missense variant.
Genome position (GRCh38, 1-based): chr1:156,136,389, G>T. VCF-style: chr1-156136389-G-T. GRCh37 (hg19) VCF-style: chr1-156106180-G-T.
Other names: c.997G>T, p.Val333Leu (NM_001257374.3, NM_001406989.1, NM_001406998.1); c.1090G>T, p.Val364Leu (NM_001282624.2, NM_001406986.1, NM_001406987.1); c.1333G>T, p.Val445Leu (NM_001282625.2, NM_001282626.2, NM_001406983.1 and 6 more transcripts); c.1036G>T, p.Val346Leu (NM_001406988.1); c.775G>T, p.Val259Leu (NM_001406990.1, NM_001406993.1, NM_001406995.1 and 4 more transcripts); c.709G>T, p.Val237Leu (NM_001406994.1, NM_001406999.1, NM_001407000.1 and 1 more transcripts); short protein forms V237L, V259L, V333L, V346L, V364L, V445L.
Identifiers: ClinVar variation 3387011 (VCV003387011.1).
Genomic context (GRCh38, chr1:156,136,389, plus strand): 5'-GAGAGCCGCAGCAGCTTCTCACAGCACGCACGCACTAGCGGGCGCGTGGCCGTGGAGGAG[G>T]TGGATGAGGAGGGCAAGTTTGTCCGGCTGCGCAACAAGTCCAATGAGGTAGGCTCCTGCT-3'
Protein context (NP_733821.1, residues 435-455): RTSGRVAVEE[Val445Leu]DEEGKFVRLR